The following is an entry in ClinVar:

ClinVar aggregate classification (germline): Uncertain significance (1 of 4 stars; one submission).

Conditions:
Hereditary cancer-predisposing syndrome. Also called: Neoplastic Syndromes, Hereditary; Tumor predisposition; Hereditary Cancer Syndrome; Hereditary neoplastic syndrome. Identifiers: Orphanet 140162, MedGen C0027672, MeSH D009386, MONDO:0015356.

Submission:

Ambry Genetics
Classification: Uncertain significance for Hereditary cancer-predisposing syndrome. Last evaluated: 2020-07-13. Review status: criteria provided, single submitter. Criteria: Ambry Variant Classification Scheme 2023. Collection method: clinical testing. Allele origin: germline.
Comment: The p.E306V variant (also known as c.917A>T), located in coding exon 9 of the SMARCE1 gene, results from an A to T substitution at nucleotide position 917. The glutamic acid at codon 306 is replaced by valine, an amino acid with dissimilar properties. This amino acid position is well conserved in available vertebrate species. In addition, this alteration is predicted to be tolerated by in silico analysis. Since supporting evidence is limited at this time, the clinical significance of this alteration remains unclear.

NM_003079.5(SMARCE1):c.917A>T (p.Glu306Val)

Gene: SMARCE1 (SWI/SNF related BAF chromatin remodeling complex subunit E1; minus strand). Cytogenetic location: 17q21.2.
Variant type: single nucleotide variant.
Coding change: c.917A>T on transcript NM_003079.5 (MANE Select); coding-DNA position 917, A replaced by T.
Protein change: p.Glu306Val; replaces glutamic acid 306 with valine.
Molecular consequence: missense variant.
Genome position (GRCh38, 1-based): chr17:40,630,824, T>A on the plus strand (A>T on the coding strand, the complement: SMARCE1 is on the minus strand). VCF-style: chr17-40630824-T-A. GRCh37 (hg19) VCF-style: chr17-38787076-T-A.
Other names: short protein forms E306V.
Identifiers: ClinVar variation 1766061 (VCV001766061.2), dbSNP rs2143984920, ClinGen allele CA399363649.
Genomic context (GRCh38, chr17:40,630,824, plus strand): 5'-GCTGCTTGTTCTTCCTCAGGAACGATGCTGCTCTGACTGCGCTCAGCTTGCTCTGCGGCC[T>A]CCTTCTCCCTTTCCTCCTGCCTTTTGCGGGCCTGTTCCTCTGCCTGTGCAATCTCAGCTG-3'
Protein context (NP_003070.3, residues 296-316): ARKRQEEREK[Glu306Val]AAEQAERSQS